The following is an entry in ClinVar:

ClinVar aggregate classification (germline): Uncertain significance (1 of 4 stars; one submission).

Conditions:
Hereditary diffuse gastric adenocarcinoma (HDGC). Also called: DIFFUSE GASTRIC AND LOBULAR BREAST CANCER SYNDROME. Identifiers: Orphanet 26106, MedGen C1708349, MONDO:0007648, OMIM 137215.

Submission:

Labcorp Genetics (formerly Invitae), Labcorp
Classification: Uncertain significance for Hereditary diffuse gastric adenocarcinoma. Last evaluated: 2021-07-25. Review status: criteria provided, single submitter. Criteria: Invitae Variant Classification Sherloc (09022015). Collection method: clinical testing. Allele origin: germline.
Comment: This sequence change replaces phenylalanine with valine at codon 338 of the CDH1 protein (p.Phe338Val). The phenylalanine residue is weakly conserved and there is a small physicochemical difference between phenylalanine and valine. This variant is not present in population databases (ExAC no frequency). This variant has not been reported in the literature in individuals affected with CDH1-related conditions. Algorithms developed to predict the effect of missense changes on protein structure and function output the following: SIFT: "Tolerated"; PolyPhen-2: "Benign"; Align-GVGD: "Class C0". The valine amino acid residue is found in multiple mammalian species, which suggests that this missense change does not adversely affect protein function. In summary, the available evidence is currently insufficient to determine the role of this variant in disease. Therefore, it has been classified as a Variant of Uncertain Significance.

NM_004360.5(CDH1):c.1012T>G (p.Phe338Val)

Gene: CDH1 (cadherin 1; plus strand). Cytogenetic location: 16q22.1.
Variant type: single nucleotide variant.
Coding change: c.1012T>G on transcript NM_004360.5 (MANE Select); coding-DNA position 1012, T replaced by G.
Protein change: p.Phe338Val; replaces phenylalanine 338 with valine.
Molecular consequence: missense variant. On other transcripts: 5 prime UTR variant (2).
Genome position (GRCh38, 1-based): chr16:68,812,138, T>G. VCF-style: chr16-68812138-T-G. GRCh37 (hg19) VCF-style: chr16-68846041-T-G.
Other names: c.1012T>G, p.Phe338Val (NM_001317184.2); c.-604T>G (NM_001317185.2); c.-808T>G (NM_001317186.2); short protein forms F338V.
Identifiers: ClinVar variation 1492999 (VCV001492999.8), dbSNP rs2152132486, ClinGen allele CA396459925.
Genomic context (GRCh38, chr16:68,812,138, plus strand): 5'-AGGCCAAAGGTGGCTAGTGTTCCTGGTCCTGACTTGGTTGTGTCGATCTCTCTGCAGAGT[T>G]TCCCTACGTATACCCTGGTGGTTCAAGCTGCTGACCTTCAAGGTGAGGGGTTAAGCACAA-3'
Protein context (NP_004351.1, residues 328-348): VVTTGLDRES[Phe338Val]PTYTLVVQAA